The following is an entry in ClinVar:

NM_001377540.1(SLMAP):c.824T>C (p.Val275Ala)

Gene: SLMAP (sarcolemma associated protein; plus strand). Cytogenetic location: 3p14.3.
Variant type: single nucleotide variant.
Coding change: c.824T>C on transcript NM_001377540.1 (MANE Select); coding-DNA position 824, T replaced by C.
Protein change: p.Val275Ala; replaces valine 275 with alanine.
Molecular consequence: missense variant. On other transcripts: non-coding transcript variant (1).
Genome position (GRCh38, 1-based): chr3:57,860,835, T>C. VCF-style: chr3-57860835-T-C. GRCh37 (hg19) VCF-style: chr3-57846562-T-C.
Other names: c.824T>C, p.Val275Ala (NM_001304420.3, NM_001304421.2, NM_001377538.1 and 17 more transcripts); short protein forms V275A.
Identifiers: ClinVar variation 1027235 (VCV001027235.5), dbSNP rs138336324, ClinGen allele CA2466921.

ClinVar aggregate classification (germline): Uncertain significance (1 of 4 stars; one submission).

Conditions:
Brugada syndrome. Also called: Sudden unexplained nocturnal death syndrome; Sudden Unexplained Death Syndrome; Sudden Unexplained Nocturnal Death Syndrome (SUNDS); Sudden unexpected nocturnal death syndrome. Identifiers: Orphanet 130, MedGen C1142166, MONDO:0015263.

Allele frequency attached by ClinVar (database versions not stated): gnomAD 0.00001; gnomAD exomes 0.00001; TOPMed 0.00001; ExAC 0.00002; ESP Exome Variant Server 0.00015.
gnomAD v4.1: 4 of 1,583,972 alleles (0.00025%); highest among the groups gnomAD compares: Non-Finnish European, 0.00034%; no homozygotes.

Submission:

Labcorp Genetics (formerly Invitae), Labcorp
Classification: Uncertain significance for Brugada syndrome. Last evaluated: 2020-08-17. Review status: criteria provided, single submitter. Criteria: Invitae Variant Classification Sherloc (09022015). Collection method: clinical testing. Allele origin: germline.
Comment: In summary, the available evidence is currently insufficient to determine the role of this variant in disease. Therefore, it has been classified as a Variant of Uncertain Significance. Algorithms developed to predict the effect of missense changes on protein structure and function are either unavailable or do not agree on the potential impact of this missense change (SIFT: "Tolerated"; PolyPhen-2: "Possibly Damaging"; Align-GVGD: "Class C25"). This variant has not been reported in the literature in individuals with SLMAP-related conditions. This variant is present in population databases (rs138336324, ExAC 0.003%). This sequence change replaces valine with alanine at codon 275 of the SLMAP protein (p.Val275Ala). The valine residue is highly conserved and there is a small physicochemical difference between valine and alanine.